The following is an entry in ClinVar:

ClinVar aggregate classification (germline): Likely benign (1 of 4 stars; one submission).

Submission:

GeneDx
Classification: Likely benign. Last evaluated: 2016-07-07. Review status: criteria provided, single submitter. Criteria: GeneDx Variant Classification (06012015). Collection method: clinical testing. Allele origin: germline. Affected: yes.
Comment: This variant is considered likely benign or benign based on one or more of the following criteria: it is a conservative change, it occurs at a poorly conserved position in the protein, it is predicted to be benign by multiple in silico algorithms, and/or has population frequency not consistent with disease.

NM_032578.4(MYPN):c.*5G>A

Gene: MYPN (myopalladin; plus strand). Cytogenetic location: 10q21.3.
Variant type: single nucleotide variant.
Coding change: c.*5G>A on transcript NM_032578.4 (MANE Select); 5 bases downstream of the stop codon, G replaced by A.
Molecular consequence: 3 prime UTR variant. On other transcripts: non-coding transcript variant (2).
Genome position (GRCh38, 1-based): chr10:68,210,460, G>A. VCF-style: chr10-68210460-G-A. GRCh37 (hg19) VCF-style: chr10-69970217-G-A.
Other names: c.*5G>A (NM_001256267.2, NM_001256268.2).
Identifiers: ClinVar variation 387610 (VCV000387610.1), dbSNP rs1057522837, ClinGen allele CA16606693.